The following is an entry in ClinVar:

NM_020822.3(KCNT1):c.143A>T (p.Asp48Val)

Gene: KCNT1 (potassium sodium-activated channel subfamily T member 1; plus strand). Cytogenetic location: 9q34.3.
Variant type: single nucleotide variant.
Coding change: c.143A>T on transcript NM_020822.3 (MANE Select); coding-DNA position 143, A replaced by T.
Protein change: p.Asp48Val; replaces aspartic acid 48 with valine.
Molecular consequence: missense variant. On other transcripts: intron variant (1).
Genome position (GRCh38, 1-based): chr9:135,714,609, A>T. VCF-style: chr9-135714609-A-T. GRCh37 (hg19) VCF-style: chr9-138606455-A-T.
Other names: c.110+12241A>T (NM_001272003.2); short protein forms D48V.
Identifiers: ClinVar variation 863745 (VCV000863745.11), dbSNP rs762875063, ClinGen allele CA5326290.

ClinVar aggregate classification (germline): Uncertain significance. Review status: criteria provided, multiple submitters, no conflicts (2 of 4 stars). 2 submissions from 2 submitters: Uncertain significance (2). Last evaluated 2024-01-30.

Conditions:
Developmental and epileptic encephalopathy, 14 (DEE14). Also called: Early infantile epileptic encephalopathy 14. Identifiers: Orphanet 293181, MedGen C3554195, MONDO:0013989, OMIM 614959.
Autosomal dominant nocturnal frontal lobe epilepsy 5. Also called: KCNT1-Related Epilepsy; CILIARY DYSKINESIA, PRIMARY, 28, WITHOUT SITUS INVERSUS; CILIARY DYSKINESIA, PRIMARY, 28, WITH SITUS INVERSUS; Epilepsy, nocturnal frontal lobe, 5. Identifiers: Orphanet 98784, MedGen C3554306, MONDO:0014002, OMIM 615005.

Allele frequency attached by ClinVar (database versions not stated): TOPMed below 0.00001; ExAC 0.00001; gnomAD 0.00001; gnomAD exomes 0.00001.
gnomAD v4.1: 7 of 1,441,922 alleles (0.00049%); highest among the groups gnomAD compares: Non-Finnish European, 0.00065%; no homozygotes.

Submissions (2):

Blueprint Genetics
Classification: Uncertain significance. Last evaluated: 2024-01-30. Review status: criteria provided, single submitter. Criteria: ACMG Guidelines, 2015. Collection method: clinical testing. Allele origin: germline.

Labcorp Genetics (formerly Invitae), Labcorp
Classification: Uncertain significance for Autosomal dominant nocturnal frontal lobe epilepsy 5; Developmental and epileptic encephalopathy, 14. Last evaluated: 2024-01-19. Review status: criteria provided, single submitter. Criteria: Invitae Variant Classification Sherloc (09022015). Collection method: clinical testing. Allele origin: germline.
Comment: This sequence change replaces aspartic acid, which is acidic and polar, with valine, which is neutral and non-polar, at codon 48 of the KCNT1 protein (p.Asp48Val). This variant is present in population databases (rs762875063, gnomAD 0.003%). This variant has not been reported in the literature in individuals affected with KCNT1-related conditions. ClinVar contains an entry for this variant (Variation ID: 863745). Advanced modeling of protein sequence and biophysical properties (such as structural, functional, and spatial information, amino acid conservation, physicochemical variation, residue mobility, and thermodynamic stability) performed at Invitae indicates that this missense variant is not expected to disrupt KCNT1 protein function with a negative predictive value of 95%. In summary, the available evidence is currently insufficient to determine the role of this variant in disease. Therefore, it has been classified as a Variant of Uncertain Significance.